The following is an entry in ClinVar:

ClinVar aggregate classification (germline): Benign/Likely benign. Review status: criteria provided, multiple submitters, no conflicts (2 of 4 stars). 8 submissions from 8 submitters: Benign (1); Likely benign (7). Last evaluated 2026-09-01.

Conditions:
Cardiovascular phenotype. Identifiers: MedGen CN230736.
Cardiomyopathy (CMYO). Also called: Cardiomyopathies. Identifiers: Orphanet 167848, MedGen C0878544, MONDO:0004994, HP:0001638. Inheritance: Various modes of inheritance.
FLNC-related disorder. Also called: FLNC-related disorders; FLNC-related condition.
Myofibrillar myopathy 5. Also called: Filaminopathy (type); FILAMINOPATHY, AUTOSOMAL DOMINANT. Identifiers: Orphanet 171445, MedGen C1836050, MONDO:0012289, OMIM 609524.
Hypertrophic cardiomyopathy 26. Also called: Cardiomyopathy, familial hypertrophic, 26. Identifiers: Orphanet 75249, MedGen C4310749, MONDO:0014883, OMIM 617047.
Distal myopathy with posterior leg and anterior hand involvement. Also called: WILLIAMS DISTAL MYOPATHY. Identifiers: Orphanet 63273, MedGen C3279722, MONDO:0013550, OMIM 614065.

Allele frequency attached by ClinVar (database versions not stated): gnomAD 0.00004; gnomAD exomes 0.00007; ExAC 0.00008; ESP Exome Variant Server 0.00008; TOPMed 0.00008.
gnomAD v4.1: 36 of 1,613,956 alleles (0.0022%); highest among the groups gnomAD compares: East Asian, 0.038%; no homozygotes.

Submissions (8):

CeGaT Center for Human Genetics Tuebingen
Classification: Likely benign. Last evaluated: 2026-09-01. Review status: criteria provided, single submitter. Criteria: CeGaT Center For Human Genetics Tuebingen Variant Classification Criteria Version 2. Collection method: clinical testing. Allele origin: germline. Affected: yes. Observed: 1 variant allele.
Comment: FLNC: BP4, BP7

Labcorp Genetics (formerly Invitae), Labcorp
Classification: Likely benign for Distal myopathy with posterior leg and anterior hand involvement; Myofibrillar myopathy 5; Hypertrophic cardiomyopathy 26. Last evaluated: 2025-12-03. Review status: criteria provided, single submitter. Criteria: Invitae Variant Classification Sherloc (09022015). Collection method: clinical testing. Allele origin: germline.

PreventionGenetics, part of Exact Sciences
Classification: Likely benign for FLNC-related condition. Last evaluated: 2024-12-03. Review status: criteria provided, single submitter. Criteria: ACMG Guidelines, 2015. Collection method: clinical testing. Allele origin: germline.
Comment: This variant is classified as likely benign based on ACMG/AMP sequence variant interpretation guidelines (Richards et al. 2015 PMID: 25741868, with internal and published modifications).

Women's Health and Genetics/Laboratory Corporation of America, LabCorp
Classification: Benign. Last evaluated: 2024-11-10. Review status: criteria provided, single submitter. Criteria: LabCorp Variant Classification Summary - May 2015. Collection method: clinical testing. Allele origin: germline.

Blueprint Genetics
Classification: Likely benign. Last evaluated: 2024-07-02. Review status: criteria provided, single submitter. Criteria: ACMG Guidelines, 2015. Collection method: clinical testing. Allele origin: germline.

CHEO Genetics Diagnostic Laboratory, Children's Hospital of Eastern Ontario
Classification: Likely benign for Cardiomyopathy. Last evaluated: 2021-09-13. Review status: criteria provided, single submitter. Criteria: ACMG Guidelines, 2015. Collection method: clinical testing. Allele origin: germline.

Ambry Genetics
Classification: Likely benign for Cardiovascular phenotype. Last evaluated: 2020-03-24. Review status: criteria provided, single submitter. Criteria: Ambry Variant Classification Scheme 2023. Collection method: clinical testing. Allele origin: germline.

GeneDx
Classification: Likely benign. Last evaluated: 2019-11-14. Review status: criteria provided, single submitter. Criteria: GeneDx Variant Classification Process June 2021. Collection method: clinical testing. Allele origin: germline. Affected: yes.

NM_001458.5(FLNC):c.2907C>A (p.Ile969=)

Gene: FLNC (filamin C; plus strand). Cytogenetic location: 7q32.1.
Variant type: single nucleotide variant.
Coding change: c.2907C>A on transcript NM_001458.5 (MANE Select); coding-DNA position 2907, C replaced by A.
Protein change: p.Ile969=; no amino-acid change (isoleucine 969 retained).
Molecular consequence: synonymous variant.
Genome position (GRCh38, 1-based): chr7:128,843,891, C>A. VCF-style: chr7-128843891-C-A. GRCh37 (hg19) VCF-style: chr7-128483945-C-A.
Other names: c.2907C>A, p.Ile969= (NM_001127487.2).
Identifiers: ClinVar variation 771643 (VCV000771643.20), dbSNP rs368059457, ClinGen allele CA4474894.